The following is an entry in ClinVar:

ClinVar aggregate classification (germline): Uncertain significance (1 of 4 stars; one submission).

Conditions:
Charcot-Marie-Tooth disease type 2. Also called: Charcot-Marie-Tooth type 2. Identifiers: Orphanet 64746, MedGen C0270914, MONDO:0018993.

Submission:

Labcorp Genetics (formerly Invitae), Labcorp
Classification: Uncertain significance for Charcot-Marie-Tooth disease type 2. Last evaluated: 2024-02-08. Review status: criteria provided, single submitter. Criteria: Invitae Variant Classification Sherloc (09022015). Collection method: clinical testing. Allele origin: germline.
Comment: This sequence change replaces glycine, which is neutral and non-polar, with valine, which is neutral and non-polar, at codon 620 of the MED25 protein (p.Gly620Val). This variant is not present in population databases (gnomAD no frequency). This variant has not been reported in the literature in individuals affected with MED25-related conditions. An algorithm developed to predict the effect of missense changes on protein structure and function (PolyPhen-2) suggests that this variant is likely to be disruptive. In summary, the available evidence is currently insufficient to determine the role of this variant in disease. Therefore, it has been classified as a Variant of Uncertain Significance.

NM_030973.4(MED25):c.1859G>T (p.Gly620Val)

Gene: MED25 (mediator complex subunit 25; plus strand). Cytogenetic location: 19q13.33.
Variant type: single nucleotide variant.
Coding change: c.1859G>T on transcript NM_030973.4 (MANE Select); coding-DNA position 1859, G replaced by T.
Protein change: p.Gly620Val; replaces glycine 620 with valine.
Molecular consequence: missense variant.
Genome position (GRCh38, 1-based): chr19:49,835,839, G>T. VCF-style: chr19-49835839-G-T. GRCh37 (hg19) VCF-style: chr19-50339096-G-T.
Other names: c.1859G>T, p.Gly620Val (NM_001378355.1); short protein forms G620V.
Identifiers: ClinVar variation 3639580 (VCV003639580.2).
Genomic context (GRCh38, chr19:49,835,839, plus strand): 5'-GGGCCACGGGGCAGCCCCAGCCCCAAGGTACTGCCCAGCCCCCGCCAGGTGCCCCTCAAG[G>T]CCCTCCTGGAGCAGCTTCTGGCCCACCCCCTCCTGGACCCATCCTTCGGCCCCAGAACCC-3'
Protein context (NP_112235.2, residues 610-630): TAQPPPGAPQ[Gly620Val]PPGAASGPPP